The following is an entry in ClinVar:

ClinVar aggregate classification (germline): Uncertain significance. Review status: criteria provided, multiple submitters, no conflicts (2 of 4 stars). 2 submissions from 2 submitters: Uncertain significance (2). Last evaluated 2025-03-14.

Conditions:
Fanconi anemia (FA). Also called: Fanconi's anemia. Identifiers: Orphanet 84, MedGen C0015625, MeSH D005199, MONDO:0019391.
Fanconi anemia complementation group I (FANCI). Also called: FANCI-Related Fanconi Anemia. Identifiers: Orphanet 84, MedGen C1836861, MONDO:0012186, OMIM 609053.

Allele frequency attached by ClinVar (database versions not stated): gnomAD exomes 0.00001 and 0.00003; TOPMed 0.00002; ExAC 0.00003.
gnomAD v4.1: 7 of 1,614,128 alleles (0.00043%); highest among the groups gnomAD compares: East Asian, 0.016%; no homozygotes.

Submissions (2):

Labcorp Genetics (formerly Invitae), Labcorp
Classification: Uncertain significance for Fanconi anemia. Last evaluated: 2025-03-14. Review status: criteria provided, single submitter. Criteria: Invitae Variant Classification Sherloc (09022015). Collection method: clinical testing. Allele origin: germline.
Comment: This sequence change replaces serine, which is neutral and polar, with glycine, which is neutral and non-polar, at codon 734 of the FANCI protein (p.Ser734Gly). This variant is present in population databases (rs780147810, gnomAD 0.04%). This variant has not been reported in the literature in individuals affected with FANCI-related conditions. ClinVar contains an entry for this variant (Variation ID: 845421). Invitae Evidence Modeling of protein sequence and biophysical properties (such as structural, functional, and spatial information, amino acid conservation, physicochemical variation, residue mobility, and thermodynamic stability) indicates that this missense variant is not expected to disrupt FANCI protein function with a negative predictive value of 80%. In summary, the available evidence is currently insufficient to determine the role of this variant in disease. Therefore, it has been classified as a Variant of Uncertain Significance.

Fulgent Genetics
Classification: Uncertain significance for Fanconi anemia complementation group I. Last evaluated: 2024-06-17. Review status: criteria provided, single submitter. Criteria: ACMG Guidelines, 2015. Collection method: clinical testing. Allele origin: germline.

NM_001113378.2(FANCI):c.2200A>G (p.Ser734Gly)

Gene: FANCI (FA complementation group I; plus strand). Cytogenetic location: 15q26.1.
Variant type: single nucleotide variant.
Coding change: c.2200A>G on transcript NM_001113378.2 (MANE Select); coding-DNA position 2200, A replaced by G.
Protein change: p.Ser734Gly; replaces serine 734 with glycine.
Molecular consequence: missense variant.
Genome position (GRCh38, 1-based): chr15:89,292,972, A>G. VCF-style: chr15-89292972-A-G. GRCh37 (hg19) VCF-style: chr15-89836203-A-G.
Other names: c.1921A>G, p.Ser641Gly (NM_001376910.1); c.2200A>G, p.Ser734Gly (NM_001376911.1, NM_018193.3); short protein forms S641G, S734G.
Identifiers: ClinVar variation 845421 (VCV000845421.10), dbSNP rs780147810, ClinGen allele CA7723313.